The following is an entry in ClinVar:

ClinVar aggregate classification (germline): Uncertain significance (1 of 4 stars; one submission).

Submission:

Labcorp Genetics (formerly Invitae), Labcorp
Classification: Uncertain significance. Last evaluated: 2021-06-15. Review status: criteria provided, single submitter. Criteria: Invitae Variant Classification Sherloc (09022015). Collection method: clinical testing. Allele origin: germline.
Comment: In summary, the available evidence is currently insufficient to determine the role of this variant in disease. Therefore, it has been classified as a Variant of Uncertain Significance. Algorithms developed to predict the effect of missense changes on protein structure and function are either unavailable or do not agree on the potential impact of this missense change (SIFT: "Deleterious"; PolyPhen-2: "Benign"; Align-GVGD: "Class C65"). This variant has not been reported in the literature in individuals with TUBA1A-related conditions. This variant is not present in population databases (ExAC no frequency). This sequence change replaces cysteine with serine at codon 213 of the TUBA1A protein (p.Cys213Ser). The cysteine residue is highly conserved and there is a moderate physicochemical difference between cysteine and serine.

NM_006009.4(TUBA1A):c.638G>C (p.Cys213Ser)

Gene: TUBA1A (tubulin alpha 1a; minus strand). Cytogenetic location: 12q13.12.
Variant type: single nucleotide variant.
Coding change: c.638G>C on transcript NM_006009.4 (MANE Select); coding-DNA position 638, G replaced by C.
Protein change: p.Cys213Ser; replaces cysteine 213 with serine.
Molecular consequence: missense variant.
Genome position (GRCh38, 1-based): chr12:49,185,728, C>G on the plus strand (G>C on the coding strand, the complement: TUBA1A is on the minus strand). VCF-style: chr12-49185728-C-G. GRCh37 (hg19) VCF-style: chr12-49579511-C-G.
Other names: c.638G>C, p.Cys213Ser (NM_001270399.2); c.533G>C, p.Cys178Ser (NM_001270400.2); short protein forms C178S, C213S.
Identifiers: ClinVar variation 1361429 (VCV001361429.8), dbSNP rs2121244232, ClinGen allele CA384641135.